The following is an entry in ClinVar:

ClinVar aggregate classification (germline): Likely benign (1 of 4 stars; one submission).

Submission:

GeneDx
Classification: Likely benign. Last evaluated: 2021-05-14. Review status: criteria provided, single submitter. Criteria: GeneDx Variant Classification Process June 2021. Collection method: clinical testing. Allele origin: germline. Affected: yes.
Comment: See Variant Classification Assertion Criteria.

NM_006147.4(IRF6):c.174+54_174+56dup

Gene: IRF6 (interferon regulatory factor 6; minus strand). Cytogenetic location: 1q32.2.
Variant type: Duplication.
Coding change: c.174+54_174+56dup on transcript NM_006147.4 (MANE Select); bases 54 to 56 of the intron after coding-DNA position 174, 3 bases duplicated (TTT; older notation c.174+54_174+56dupTTT).
Molecular consequence: intron variant.
Genome position (GRCh38, 1-based): chr1:209,801,184-209,801,186, AAA duplicated on the plus strand (TTT on the coding strand, the reverse complement: IRF6 is on the minus strand); duplicating any 3 consecutive bases within chr1:209,801,184-209,801,204 gives the same sequence; the c. name uses the placement nearest the transcript's 3' end. VCF-style (leftmost placement, unchanged base first): chr1-209801183-C-CAAA. GRCh37 (hg19) VCF-style: chr1-209974528-C-CAAA.
Other names: c.-111-4634_-111-4632dup (NM_001206696.2).
Identifiers: ClinVar variation 2500621 (VCV002500621.1), dbSNP rs35878470, ClinGen allele CA528646472.